The following is an entry in ClinVar:

ClinVar aggregate classification (germline): Uncertain significance. Review status: criteria provided, multiple submitters, no conflicts (2 of 4 stars). 2 submissions from 2 submitters: Uncertain significance (2). Last evaluated 2025-03-28.

gnomAD v4.1: 1 of 1,613,754 alleles (0.000062%); highest among the groups gnomAD compares: South Asian, 0.0011%; no homozygotes.

Submissions (2):

Ambry Genetics
Classification: Uncertain significance. Last evaluated: 2025-03-28. Review status: criteria provided, single submitter. Criteria: Ambry Variant Classification Scheme 2023. Collection method: clinical testing. Allele origin: germline.
Comment: The p.L449V variant (also known as c.1345T>G), located in coding exon 14 of the SRP72 gene, results from a T to G substitution at nucleotide position 1345. The leucine at codon 449 is replaced by valine, an amino acid with highly similar properties. This amino acid position is conserved. In addition, the in silico prediction for this alteration is inconclusive. Based on the available evidence, the clinical significance of this variant remains unclear.

Labcorp Genetics (formerly Invitae), Labcorp
Classification: Uncertain significance. Last evaluated: 2023-05-20. Review status: criteria provided, single submitter. Criteria: Invitae Variant Classification Sherloc (09022015). Collection method: clinical testing. Allele origin: germline.
Comment: In summary, the available evidence is currently insufficient to determine the role of this variant in disease. Therefore, it has been classified as a Variant of Uncertain Significance. Advanced modeling of protein sequence and biophysical properties (such as structural, functional, and spatial information, amino acid conservation, physicochemical variation, residue mobility, and thermodynamic stability) performed at Invitae indicates that this missense variant is not expected to disrupt SRP72 protein function. This variant has not been reported in the literature in individuals affected with SRP72-related conditions. This variant is not present in population databases (gnomAD no frequency). This sequence change replaces leucine, which is neutral and non-polar, with valine, which is neutral and non-polar, at codon 449 of the SRP72 protein (p.Leu449Val).

NM_006947.4(SRP72):c.1345T>G (p.Leu449Val)

Gene: SRP72 (signal recognition particle 72; plus strand). Cytogenetic location: 4q12.
Variant type: single nucleotide variant.
Coding change: c.1345T>G on transcript NM_006947.4 (MANE Select); coding-DNA position 1345, T replaced by G.
Protein change: p.Leu449Val; replaces leucine 449 with valine.
Molecular consequence: missense variant. On other transcripts: non-coding transcript variant (1).
Genome position (GRCh38, 1-based): chr4:56,490,357, T>G. VCF-style: chr4-56490357-T-G. GRCh37 (hg19) VCF-style: chr4-57356523-T-G.
Other names: c.1345T>G (NM_006947.3); c.1162T>G, p.Leu388Val (NM_001267722.2); short protein forms L388V, L449V.
Identifiers: ClinVar variation 3019134 (VCV003019134.4), dbSNP rs1297539219, ClinGen allele CA357001518.
Genomic context (GRCh38, chr4:56,490,357, plus strand): 5'-CTTGAAACTTTTTTTTTCTTTTTATTGAAACTGTAGCCAAAATCTCCTGCTCATTTGTCC[T>G]TGATAAGAGAAGCTGCAAACTTCAAACTCAAATATGGGCGGAAGAAGGAGGCAATTAGTG-3'
Protein context (NP_008878.3, residues 439-459): HQPKSPAHLS[Leu449Val]IREAANFKLK